The following is an entry in ClinVar:

ClinVar aggregate classification (germline): Uncertain significance (1 of 4 stars; one submission).

Conditions:
Alstrom syndrome (ALMS). Identifiers: Orphanet 64, MedGen C0268425, MONDO:0008763, OMIM 203800.

Allele frequency attached by ClinVar (database versions not stated): gnomAD exomes below 0.00001; TOPMed 0.00001.
gnomAD v4.1: 2 of 1,613,520 alleles (0.00012%); highest among the groups gnomAD compares: Non-Finnish European, 0.00017%; no homozygotes.

Submission:

Labcorp Genetics (formerly Invitae), Labcorp
Classification: Uncertain significance for Alstrom syndrome. Last evaluated: 2023-10-13. Review status: criteria provided, single submitter. Criteria: Invitae Variant Classification Sherloc (09022015). Collection method: clinical testing. Allele origin: germline.
Comment: This sequence change replaces histidine, which is basic and polar, with tyrosine, which is neutral and polar, at codon 2985 of the ALMS1 protein (p.His2985Tyr). This variant is present in population databases (no rsID available, gnomAD 0.0009%). This variant has not been reported in the literature in individuals affected with ALMS1-related conditions. ClinVar contains an entry for this variant (Variation ID: 2067278). Experimental studies and prediction algorithms are not available or were not evaluated, and the functional significance of this variant is currently unknown. In summary, the available evidence is currently insufficient to determine the role of this variant in disease. Therefore, it has been classified as a Variant of Uncertain Significance.

NM_001378454.1(ALMS1):c.8950C>T (p.His2984Tyr)

Gene: ALMS1 (ALMS1 centrosome and basal body associated protein; plus strand). Cytogenetic location: 2p13.1.
Variant type: single nucleotide variant.
Coding change: c.8950C>T on transcript NM_001378454.1 (MANE Select); coding-DNA position 8950, C replaced by T.
Protein change: p.His2984Tyr; replaces histidine 2984 with tyrosine.
Molecular consequence: missense variant.
Genome position (GRCh38, 1-based): chr2:73,490,909, C>T. VCF-style: chr2-73490909-C-T. GRCh37 (hg19) VCF-style: chr2-73718036-C-T.
Other names: c.8953C>T, p.His2985Tyr (NM_015120.4); short protein forms H2985Y, H2984Y.
Identifiers: ClinVar variation 2067278 (VCV002067278.4), dbSNP rs959391151, ClinGen allele CA50379727.